The following is an entry in ClinVar:

ClinVar aggregate classification (germline): Likely benign. Review status: criteria provided, multiple submitters, no conflicts (2 of 4 stars). 3 submissions from 3 submitters: Likely benign (3). Last evaluated 2024-06-28.

Conditions:
Multiple endocrine neoplasia, type 2 (MEN2). Identifiers: Orphanet 653, MedGen C4048306, MONDO:0019003. Disease mechanism: gain of function.
Hereditary cancer-predisposing syndrome. Also called: Neoplastic Syndromes, Hereditary; Hereditary neoplastic syndrome; Tumor predisposition; Hereditary Cancer Syndrome. Identifiers: Orphanet 140162, MedGen C0027672, MeSH D009386, MONDO:0015356.

Submissions (3):

Labcorp Genetics (formerly Invitae), Labcorp
Classification: Likely benign for Multiple endocrine neoplasia, type 2. Last evaluated: 2024-06-28. Review status: criteria provided, single submitter. Criteria: Invitae Variant Classification Sherloc (09022015). Collection method: clinical testing. Allele origin: germline.

All of Us Research Program, National Institutes of Health
Classification: Likely benign for Multiple endocrine neoplasia, type 2. Last evaluated: 2023-08-15. Review status: criteria provided, single submitter. Criteria: ACMG Guidelines, 2015. Collection method: clinical testing. Allele origin: germline. Inheritance: Autosomal dominant inheritance. Observed: 1 variant allele, 1 heterozygote.
Comment: This study involves interpretation of variants in research participants for the purpose of population health screening. Participant phenotype was not available at the time of variant classification. Additional details can be found in publication PMID: 35346344, PMCID: PMC8962531

Ambry Genetics
Classification: Likely benign for Hereditary cancer-predisposing syndrome. Last evaluated: 2022-11-10. Review status: criteria provided, single submitter. Criteria: Ambry Variant Classification Scheme 2023. Collection method: clinical testing. Allele origin: germline.

NM_020975.6(RET):c.1365C>T (p.Val455=)

Gene: RET (ret proto-oncogene; plus strand). Cytogenetic location: 10q11.21.
Variant type: single nucleotide variant.
Coding change: c.1365C>T on transcript NM_020975.6 (MANE Select); coding-DNA position 1365, C replaced by T.
Protein change: p.Val455=; no amino-acid change (valine 455 retained).
Molecular consequence: synonymous variant. On other transcripts: intron variant (15).
Genome position (GRCh38, 1-based): chr10:43,111,308, C>T. VCF-style: chr10-43111308-C-T. GRCh37 (hg19) VCF-style: chr10-43606756-C-T.
Other names: c.1365C>T, p.Val455= (NM_000323.2, NM_001406743.1, NM_001406744.1 and 6 more transcripts); c.603C>T, p.Val201= (NM_001355216.2); c.1236C>T, p.Val412= (NM_001406761.1, NM_001406762.1, NM_001406764.1 and 1 more transcripts); c.1077C>T, p.Val359= (NM_001406766.1, NM_001406767.1, NM_001406770.1); c.969C>T, p.Val323= (NM_001406769.1, NM_001406772.1); c.927C>T, p.Val309= (NM_001406771.1, NM_001406773.1); c.840C>T, p.Val280= (NM_001406774.1); c.639C>T, p.Val213= (NM_001406775.1, NM_001406776.1, NM_001406777.1 and 1 more transcripts); and 5 more.
Identifiers: ClinVar variation 2454124 (VCV002454124.5), dbSNP rs2132769219, ClinGen allele CA469479728.